The following is an entry in ClinVar:

NM_030973.4(MED25):c.689T>C (p.Val230Ala)

Gene: MED25 (mediator complex subunit 25; plus strand). Cytogenetic location: 19q13.33.
Variant type: single nucleotide variant.
Coding change: c.689T>C on transcript NM_030973.4 (MANE Select); coding-DNA position 689, T replaced by C.
Protein change: p.Val230Ala; replaces valine 230 with alanine.
Molecular consequence: missense variant.
Genome position (GRCh38, 1-based): chr19:49,830,088, T>C. VCF-style: chr19-49830088-T-C. GRCh37 (hg19) VCF-style: chr19-50333345-T-C.
Other names: c.689T>C, p.Val230Ala (NM_001378355.1); short protein forms V230A.
Identifiers: ClinVar variation 698750 (VCV000698750.14), dbSNP rs199982073, ClinGen allele CA9584986.

ClinVar aggregate classification (germline): Likely benign. Review status: criteria provided, multiple submitters, no conflicts (2 of 4 stars). 3 submissions from 3 submitters: Likely benign (2). 1 of the submissions does not count toward it. Last evaluated 2025-06-23.

Conditions:
MED25-related disorder. Also called: MED25-related condition.
Charcot-Marie-Tooth disease type 2. Also called: Charcot-Marie-Tooth type 2. Identifiers: Orphanet 64746, MedGen C0270914, MONDO:0018993.
Charcot-Marie-Tooth disease. Also called: Charcot-Marie-Tooth Neuropathy; Charcot-Marie-Tooth Hereditary Neuropathy. Identifiers: Orphanet 166, MedGen C0007959, MONDO:0015626.

Allele frequency attached by ClinVar (database versions not stated): ExAC 0.00031; 1000 Genomes Project 0.00020; gnomAD exomes 0.00034; gnomAD 0.00011; TOPMed 0.00014; 1000 Genomes Project 30x 0.00016.

Submissions (3):

Labcorp Genetics (formerly Invitae), Labcorp
Classification: Likely benign for Charcot-Marie-Tooth disease type 2. Last evaluated: 2025-06-23. Review status: criteria provided, single submitter. Criteria: Invitae Variant Classification Sherloc (09022015). Collection method: clinical testing. Allele origin: germline.

Molecular Genetics Laboratory, London Health Sciences Centre
Classification: Likely benign for Charcot-Marie-Tooth disease. Review status: criteria provided, single submitter. Criteria: ACMG Guidelines, 2015. Collection method: clinical testing. Allele origin: germline. Affected: yes.

PreventionGenetics, part of Exact Sciences
Classification: Likely benign for MED25-related condition. Last evaluated: 2023-01-03. Review status: no assertion criteria provided. Collection method: clinical testing. Allele origin: germline. Not counted in ClinVar's aggregate classification.
Comment: This variant is classified as likely benign based on ACMG/AMP sequence variant interpretation guidelines (Richards et al. 2015 PMID: 25741868, with internal and published modifications).